The following is an entry in ClinVar:

ClinVar aggregate classification (germline): Pathogenic (1 of 4 stars; one submission).

Submission:

Labcorp Genetics (formerly Invitae), Labcorp
Classification: Pathogenic. Last evaluated: 2024-02-04. Review status: criteria provided, single submitter. Criteria: Invitae Variant Classification Sherloc (09022015). Collection method: clinical testing. Allele origin: germline.
Comment: This sequence change creates a premature translational stop signal (p.Phe3774Leufs*15) in the ADGRV1 gene. It is expected to result in an absent or disrupted protein product. Loss-of-function variants in ADGRV1 are known to be pathogenic (PMID: 19357117, 22135276, 22147658, 26226137, 30718709, 31047384, 32467589). This variant is not present in population databases (gnomAD no frequency). This variant has not been reported in the literature in individuals affected with ADGRV1-related conditions. For these reasons, this variant has been classified as Pathogenic.

Literature cited by the submitters: PubMed 19357117; PubMed 22135276; PubMed 22147658; PubMed 26226137; PubMed 30718709; PubMed 31047384; PubMed 32467589.

NM_032119.4(ADGRV1):c.11322del (p.Phe3774fs)

Gene: ADGRV1 (adhesion G protein-coupled receptor V1; plus strand). Cytogenetic location: 5q14.3.
Variant type: Deletion.
Coding change: c.11322del on transcript NM_032119.4 (MANE Select); coding-DNA position 11322, one base deleted (T; older notation c.11322delT).
Protein change: p.Phe3774fs; shifts the reading frame from phenylalanine 3774.
Molecular consequence: frameshift variant. On other transcripts: non-coding transcript variant (1).
Genome position (GRCh38, 1-based): chr5:90,753,774, T deleted; the last of 4 consecutive T bases (chr5:90,753,771-90,753,774); deleting any one gives the same sequence. VCF-style (leftmost placement, unchanged base first): chr5-90753770-CT-C. GRCh37 (hg19) VCF-style: chr5-90049587-CT-C.
Other names: short protein forms F3774fs.
Identifiers: ClinVar variation 3638737 (VCV003638737.2).
Genomic context (GRCh38, chr5:90,753,770, plus strand): 5'-GTGCTACTATTGATCAGGACAGAAGCAAGTCTGTTATAACAACTTTGCCCAATGACTCAC[CT>C]TTTGGCTTGGTGGGCTGGCGTGCTGCGTCTGTCTTCATTAGAGTAGCAGAGCCTAAAGGT-3'